The following is an entry in ClinVar:

NM_003242.6(TGFBR2):c.1489C>T (p.Arg497Ter)

Gene: TGFBR2 (transforming growth factor beta receptor 2; plus strand). Cytogenetic location: 3p24.1.
Variant type: single nucleotide variant.
Coding change: c.1489C>T on transcript NM_003242.6 (MANE Select); coding-DNA position 1489, C replaced by T.
Protein change: p.Arg497Ter; replaces arginine 497 with a stop codon.
Molecular consequence: nonsense.
Genome position (GRCh38, 1-based): chr3:30,688,476, C>T. VCF-style: chr3-30688476-C-T. GRCh37 (hg19) VCF-style: chr3-30729968-C-T.
Other names: p.R497*:CGA>TGA; c.1564C>T, p.Arg522Ter (NM_001024847.3); c.1204C>T, p.Arg402Ter (NM_001407137.1); c.1129C>T, p.Arg377Ter (NM_001407138.1); c.619C>T, p.Arg207Ter (NM_001407139.1); c.1672C>T, p.Arg558Ter (NM_001407126.1); c.1597C>T, p.Arg533Ter (NM_001407127.1); c.1516C>T, p.Arg506Ter (NM_001407128.1); and 3 more; short protein forms R497*, R522*, R207*, R498*, R462*, R496*, R506*, R377*.
Identifiers: ClinVar variation 213934 (VCV000213934.27), dbSNP rs863223852, ClinGen allele CA323609.

ClinVar aggregate classification (germline): Pathogenic. Review status: criteria provided, multiple submitters, no conflicts (2 of 4 stars). 9 submissions from 9 submitters: Pathogenic (7). 2 of the submissions do not count toward it. Last evaluated 2025-10-28.

Conditions:
Connective tissue disorder. Also called: Connective tissue disease. Identifiers: MedGen C0009782, MONDO:0003900.
Loeys-Dietz syndrome (LDS). Identifiers: Orphanet 60030, MedGen C2697932, MONDO:0018954.
Familial thoracic aortic aneurysm and aortic dissection (TAAD). Also called: Thoracic aortic aneurysms and dissections. Identifiers: Orphanet 91387, MedGen C4707243, MONDO:0019625.
Loeys-Dietz syndrome 2 (LDS2). Also called: AORTIC ANEURYSM, FAMILIAL THORACIC 3; MARFAN SYNDROME, TYPE II; Marfan syndrome, type 2 (formerly); Marfan Syndrome type 2; Marfan like connective tissue disorder; MFS 2. Identifiers: Orphanet 284973, Orphanet 558, MedGen C2674574, MONDO:0012427, OMIM 610168.

Submissions (9):

Ambry Genetics
Classification: Pathogenic for Familial thoracic aortic aneurysm and aortic dissection. Last evaluated: 2025-10-28. Review status: criteria provided, single submitter. Criteria: Ambry Variant Classification Scheme 2023. Collection method: clinical testing. Allele origin: germline.
Comment: The p.R497* pathogenic mutation (also known as c.1489C>T) located in coding exon 6 of the TGFBR2 gene, results from a C to T substitution at nucleotide position 1489. This changes the amino acid from an arginine to a stop codon within coding exon 6. This stop codon occurs at the 3' terminus of TGFBR2 and is not expected to trigger nonsense-mediated decay. However, this variant eliminates the last 71 amino acids, including 48 amino acids from the C-terminal end of the protein kinase domain. This alteration has been detected in patients from Loeys-Dietz syndrome (LDS), Marfan syndrome-like, and thoracic aortic aneurysm and dissection (TAAD) cohorts in patients reported to have TAAD and other features consistent with LDS (Singh et al. Hum Mutat. 2006;27(8):770-7; Stheneur C et al. Hum Mutat.2008;29(11):E84-95; Jondeau G et al. Circ Cardiovasc Genet. 2016;9(6):548-558; Weerakkody R et al. Genet. Med. 2018 [Epub ahead of print]). In addition, this mutation has been reported to segregate with disease features in families (Cauldwell M et al. Int J Cardiol. 2016;214:491-2; Tooley MJ et al. Clin Dysmorphol. 2017;26(2):91-94). Multiple nonsense and missense alterations in the C-terminal end of the kinase domain have been associated with LDS or related phenotypes (Loeys BL et al. N Engl J Med. 2006;355:788-98; Stheneur C et al. Hum Mutat. 2008;29:E284-95; Horbelt D et al. J Cell Sci. 2010;123:4340-50). This variant is considered to be rare based on population cohorts in the Genome Aggregation Database (gnomAD). Based on the supporting evidence, this variant is interpreted as a disease-causing mutation.

Labcorp Genetics (formerly Invitae), Labcorp
Classification: Pathogenic for Familial thoracic aortic aneurysm and aortic dissection. Last evaluated: 2025-06-22. Review status: criteria provided, single submitter. Criteria: Invitae Variant Classification Sherloc (09022015). Collection method: clinical testing. Allele origin: germline.
Comment: This sequence change creates a premature translational stop signal (p.Arg497*) in the TGFBR2 gene. While this is not anticipated to result in nonsense mediated decay, it is expected to disrupt the last 71 amino acid(s) of the TGFBR2 protein. This variant is not present in population databases (gnomAD no frequency). This premature translational stop signal has been observed in individual(s) with aortic dilatation and incomplete Marfan syndrome (PMID: 16799921, 18781618, 28225382; internal data). It has also been observed to segregate with disease in related individuals. This variant is also known as p.R522X. ClinVar contains an entry for this variant (Variation ID: 213934). This variant disrupts a region of the TGFBR2 protein in which other variant(s) (p.Gln511*) have been determined to be pathogenic (PMID: 15235604, 18781618). This suggests that this is a clinically significant region of the protein, and that variants that disrupt it are likely to be disease-causing. For these reasons, this variant has been classified as Pathogenic.

GeneDx
Classification: Pathogenic. Last evaluated: 2025-06-10. Review status: criteria provided, single submitter. Criteria: GeneDx Variant Classification Process June 2021. Collection method: clinical testing. Allele origin: germline. Affected: yes.
Comment: Identified in multiple unrelated individuals with confirmed or suspected Loeys-Dietz syndrome referred for genetic testing at GeneDx and in published literature (PMID: 16799921, 27879313, 28225382, 29543232, 27100340); Not observed at significant frequency in large population cohorts (gnomAD); Nonsense variant predicted to result in protein truncation, as the last 71 amino acids are lost, and other loss-of-function variants have been reported downstream in HGMD; This variant is associated with the following publications: (PMID: 18781618, 22113417, 25525159, 17061023, 19996017, 28225382, 29543232, 27879313, 16799921, 27100340)

Centre of Medical Genetics, University of Antwerp
Classification: Pathogenic for Familial thoracic aortic aneurysm and aortic dissection. Last evaluated: 2024-09-06. Review status: criteria provided, single submitter. Criteria: ACMG Guidelines, 2015. Collection method: clinical testing. Allele origin: germline. Affected: yes.
Comment: P(PVS1; PM2; PP5)

Laboratory for Molecular Medicine, Mass General Brigham Personalized Medicine
Classification: Pathogenic for Loeys-Dietz syndrome. Last evaluated: 2020-05-26. Review status: criteria provided, single submitter. Criteria: LMM Criteria. Collection method: clinical testing. Allele origin: germline. Inheritance: Autosomal dominant inheritance. Observed: 1 variant allele.
Comment: The p.Arg497X variant in TGFBR2 has been previously reported in 1 individual with Loeys-Dietz syndrome (LDS) and segregated with disease in at least 6 affected relatives (Tooley 2017). It has also been reported as a de novo occurrence in 1 individual with clinical features of LDS, though it was not clear if maternity and paternity were confirmed (Yang 2012). Additionally, this variant has also been reported in 2 individuals with incomplete Marfan syndrome (Singh et al. 2006, Stheneur et al. 2008). This variant has also been reported by other clinical laboratories in ClinVar (Variation ID# 213934) and is absent from large population studies. This nonsense variant leads to a premature termination codon at position 497. This alteration occurs within the terminal 50 bases of the second to last exon and is more likely to escape nonsense mediated decay (NMD) and result in a truncated protein that is missing 13% of the coding region, with about 72 amino acids removed. Several truncating variants located downstream of the p.Arg497X variant have been described in individuals with TGFBR2-associated disorders (Stheneur 2008, LMM unpublished data). In summary, this variant meets criteria to be classified as pathogenic for autosomal dominant LDS. ACMG/AMP criteria applied: PM2, PVS1_strong, PP1_Moderate, PM6.

Center for Human Genetics, Inc
Classification: Pathogenic for Connective tissue disorder. Last evaluated: 2018-06-01. Review status: criteria provided, single submitter. Criteria: ACMG Guidelines, 2015. Collection method: clinical testing. Allele origin: germline. Affected: yes.

Molecular Diagnostic Laboratory for Inherited Cardiovascular Disease, Montreal Heart Institute
Classification: Pathogenic for Loeys-Dietz syndrome 2. Last evaluated: 2016-12-30. Review status: criteria provided, single submitter. Criteria: ACMG Guidelines, 2015. Collection method: clinical testing. Allele origin: germline. Affected: yes.

OMIM
Classification: Pathogenic for LOEYS-DIETZ SYNDROME 2. Last evaluated: 2006-08-01. Review status: no assertion criteria provided. Collection method: literature only. Allele origin: germline. Not counted in ClinVar's aggregate classification.

Centre for Genomic and Experimental Medicine, University of Edinburgh
Classification: Pathogenic for Familial thoracic aortic aneurysm and aortic dissection. Review status: no assertion criteria provided. Collection method: research. Allele origin: unknown. Affected: yes. Not counted in ClinVar's aggregate classification.

Literature cited by the submitters: PubMed 18781618 (cited by 3 submitters); PubMed 19996017 (cited by Ambry Genetics); PubMed 27100340 (cited by Ambry Genetics); PubMed 27879313 (cited by Ambry Genetics); PubMed 28225382 (cited by 3 submitters); PubMed 29543232 (cited by Ambry Genetics); PubMed 16799921 (cited by 3 submitters); PubMed 15235604 (cited by Labcorp Genetics (formerly Invitae), Labcorp).